The following is an entry in ClinVar:

NM_001270508.2(TNFAIP3):c.199G>A (p.Ala67Thr)

Gene: TNFAIP3 (TNF alpha induced protein 3; plus strand). Cytogenetic location: 6q23.3.
Variant type: single nucleotide variant.
Coding change: c.199G>A on transcript NM_001270508.2 (MANE Select); coding-DNA position 199, G replaced by A.
Protein change: p.Ala67Thr; replaces alanine 67 with threonine.
Molecular consequence: missense variant.
Genome position (GRCh38, 1-based): chr6:137,871,426, G>A. VCF-style: chr6-137871426-G-A. GRCh37 (hg19) VCF-style: chr6-138192563-G-A.
Other names: c.199G>A, p.Ala67Thr (NM_001270507.2, NM_006290.4); c.199G>A (NM_006290.2); short protein forms A67T.
Identifiers: ClinVar variation 1700852 (VCV001700852.3), dbSNP rs761575322, ClinGen allele CA4019358.
Genomic context (GRCh38, chr6:137,871,426, plus strand): 5'-ACACTGGAAATGTTCAGAACTTGCCAGTTTTGTCCTCAGTTTCGGGAGATCATCCACAAA[G>A]CCCTCATCGACAGAAACATCCAGGCCACCCTGGAAAGCCAGAAGAAACTCAACTGGTGTC-3'
Protein context (NP_001257437.1, residues 57-77): CPQFREIIHK[Ala67Thr]LIDRNIQATL

ClinVar aggregate classification (germline): Uncertain significance. Review status: criteria provided, multiple submitters, no conflicts (2 of 4 stars). 2 submissions from 2 submitters: Uncertain significance (2). Last evaluated 2025-09-26.

Conditions:
Inborn genetic diseases. Identifiers: MedGen C0950123, MeSH D030342.

Allele frequency attached by ClinVar (database versions not stated): TOPMed below 0.00001; ExAC 0.00002; gnomAD exomes 0.00001.
gnomAD v4.1: 4 of 1,614,164 alleles (0.00025%); highest among the groups gnomAD compares: Non-Finnish European, 0.00034%; no homozygotes.

Submissions (2):

Ambry Genetics
Classification: Uncertain significance for Inborn genetic diseases. Last evaluated: 2025-09-26. Review status: criteria provided, single submitter. Criteria: Ambry Variant Classification Scheme 2023. Collection method: clinical testing. Allele origin: germline.

GeneDx
Classification: Uncertain significance. Last evaluated: 2022-02-07. Review status: criteria provided, single submitter. Criteria: GeneDx Variant Classification Process June 2021. Collection method: clinical testing. Allele origin: germline. Affected: yes.
Comment: In silico analysis supports that this missense variant has a deleterious effect on protein structure/function; Has not been previously published as pathogenic or benign to our knowledge